The following is an entry in ClinVar:

ClinVar aggregate classification (germline): Uncertain significance. Review status: criteria provided, multiple submitters, no conflicts (2 of 4 stars). 2 submissions from 2 submitters: Uncertain significance (2). Last evaluated 2025-09-10.

Conditions:
Inborn genetic diseases. Identifiers: MedGen C0950123, MeSH D030342.
ALG1-congenital disorder of glycosylation. Also called: CONGENITAL DISORDER OF GLYCOSYLATION, TYPE Ik; CDG Ik; ALG1-CDG. Identifiers: Orphanet 79327, MedGen C2931005, MONDO:0012052, OMIM 608540.

Allele frequency attached by ClinVar (database versions not stated): gnomAD exomes 0.00001; ExAC 0.00002.
gnomAD v4.1: 15 of 1,614,222 alleles (0.00093%); highest among the groups gnomAD compares: Admixed American, 0.005%; no homozygotes.

Submissions (2):

Ambry Genetics
Classification: Uncertain significance for Inborn genetic diseases. Last evaluated: 2025-09-10. Review status: criteria provided, single submitter. Criteria: Ambry Variant Classification Scheme 2023. Collection method: clinical testing. Allele origin: germline.

Labcorp Genetics (formerly Invitae), Labcorp
Classification: Uncertain significance for ALG1-congenital disorder of glycosylation. Last evaluated: 2022-09-07. Review status: criteria provided, single submitter. Criteria: Invitae Variant Classification Sherloc (09022015). Collection method: clinical testing. Allele origin: germline.
Comment: This sequence change replaces asparagine, which is neutral and polar, with histidine, which is basic and polar, at codon 80 of the ALG1 protein (p.Asn80His). This variant is present in population databases (rs755346143, gnomAD 0.01%). This variant has not been reported in the literature in individuals affected with ALG1-related conditions. Advanced modeling of protein sequence and biophysical properties (such as structural, functional, and spatial information, amino acid conservation, physicochemical variation, residue mobility, and thermodynamic stability) performed at Invitae indicates that this missense variant is not expected to disrupt ALG1 protein function. In summary, the available evidence is currently insufficient to determine the role of this variant in disease. Therefore, it has been classified as a Variant of Uncertain Significance.

NM_019109.5(ALG1):c.238A>C (p.Asn80His)

Gene: ALG1 (ALG1 chitobiosyldiphosphodolichol beta-mannosyltransferase; plus strand). Cytogenetic location: 16p13.3.
Variant type: single nucleotide variant.
Coding change: c.238A>C on transcript NM_019109.5 (MANE Select); coding-DNA position 238, A replaced by C.
Protein change: p.Asn80His; replaces asparagine 80 with histidine.
Molecular consequence: missense variant. On other transcripts: 5 prime UTR variant (1).
Genome position (GRCh38, 1-based): chr16:5,072,980, A>C. VCF-style: chr16-5072980-A-C. GRCh37 (hg19) VCF-style: chr16-5122981-A-C.
Other names: c.238A>C (NM_019109.4); c.-96A>C (NM_001330504.2); short protein forms N80H.
Identifiers: ClinVar variation 1953163 (VCV001953163.3), dbSNP rs755346143, ClinGen allele CA7889736.